The following is an entry in ClinVar:

ClinVar aggregate classification (germline): Likely pathogenic (1 of 4 stars; one submission).

Conditions:
Developmental delay with or without intellectual impairment or behavioral abnormalities. Identifiers: MedGen C5562004, MONDO:0859199, OMIM 619575.

Submission:

3billion
Classification: Likely pathogenic for Developmental delay with or without intellectual impairment or behavioral abnormalities. Last evaluated: 2025-08-08. Review status: criteria provided, single submitter. Criteria: ACMG Guidelines, 2015. Collection method: clinical testing. Allele origin: germline. Affected: yes.
Comment: The variant is not observed in the gnomAD v4.1.0 dataset. Predicted Consequence/Location: Missense variant In silico tool predictions suggest damaging effect of the variant on gene or gene product [REVEL: 0.83 (>=0.6, sensitivity 0.68 and specificity 0.92); 3Cnet: 0.99 (> 0.75, sensitivity 0.96 and precision 0.92)]. Therefore, this variant is classified as Likely pathogenic according to the recommendation of ACMG/AMP guideline.

NM_020791.4(TAOK1):c.554C>T (p.Thr185Met)

Gene: TAOK1 (TAO kinase 1; plus strand). Cytogenetic location: 17q11.2.
Variant type: single nucleotide variant.
Coding change: c.554C>T on transcript NM_020791.4 (MANE Select); coding-DNA position 554, C replaced by T.
Protein change: p.Thr185Met; replaces threonine 185 with methionine.
Molecular consequence: missense variant.
Genome position (GRCh38, 1-based): chr17:29,480,472, C>T. VCF-style: chr17-29480472-C-T. GRCh37 (hg19) VCF-style: chr17-27807490-C-T.
Other names: c.554C>T, p.Thr185Met (NM_025142.1); short protein forms T185M.
Identifiers: ClinVar variation 4854266 (VCV004854266.1).